The following is an entry in ClinVar:

NM_006393.3(NEBL):c.2686dup (p.Asp896fs)

Gene: NEBL (nebulette; minus strand). Cytogenetic location: 10p12.31.
Variant type: Duplication.
Coding change: c.2686dup on transcript NM_006393.3 (MANE Select); coding-DNA position 2686, one base duplicated (G; older notation c.2686dupG).
Protein change: p.Asp896fs; shifts the reading frame from aspartic acid 896.
Molecular consequence: frameshift variant. On other transcripts: intron variant (9).
Genome position (GRCh38, 1-based): chr10:20,808,585, C duplicated on the plus strand (G on the coding strand, the reverse complement: NEBL is on the minus strand). VCF-style (leftmost placement, unchanged base first): chr10-20808584-T-TC. GRCh37 (hg19) VCF-style: chr10-21097513-T-TC.
Other names: c.421+4184dup (NM_001377326.1, NM_001377327.1, NM_001377328.1); c.529+4184dup (NM_213569.2, NM_001173484.2); c.622+1221dup (NM_001377322.1); c.472+4184dup (NM_001377324.1); c.463+4184dup (NM_001377325.1); c.481+4184dup (NM_001377323.1); short protein forms D896fs.
Identifiers: ClinVar variation 840671 (VCV000840671.1), dbSNP rs766320208, ClinGen allele CA5432362.

ClinVar aggregate classification (germline): Uncertain significance (1 of 4 stars; one submission).

Conditions:
Primary dilated cardiomyopathy (DCM). Also called: Dilated Cardiomyopathy. Identifiers: Orphanet 217604, MedGen C0007193, MeSH D002311, MONDO:0005021, HP:0001644. Inheritance: Various modes of inheritance.

Allele frequency attached by ClinVar (database versions not stated): gnomAD exomes below 0.00001 and 0.00002; TOPMed below 0.00001; ExAC 0.00001.

Submission:

Labcorp Genetics (formerly Invitae), Labcorp
Classification: Uncertain significance for Primary dilated cardiomyopathy. Last evaluated: 2019-12-31. Review status: criteria provided, single submitter. Criteria: Invitae Variant Classification Sherloc (09022015). Collection method: clinical testing. Allele origin: germline.
Comment: This sequence change creates a premature translational stop signal (p.Asp896Glyfs*11) in the NEBL gene. It is expected to result in an absent or disrupted protein product. The frequency data for this variant in the population databases is considered unreliable, as metrics indicate poor data quality at this position in the ExAC database. This variant has not been reported in the literature in individuals with NEBL-related conditions. The current clinical and genetic evidence is not sufficient to establish whether loss-of-function variants in NEBL cause disease. In summary, the available evidence is currently insufficient to determine the role of this variant in disease. Therefore, it has been classified as a Variant of Uncertain Significance.